The following is an entry in ClinVar:

NM_005045.4(RELN):c.1683G>T (p.Leu561Phe)

Gene: RELN (reelin; minus strand). Cytogenetic location: 7q22.1.
Variant type: single nucleotide variant.
Coding change: c.1683G>T on transcript NM_005045.4 (MANE Select); coding-DNA position 1683, G replaced by T.
Protein change: p.Leu561Phe; replaces leucine 561 with phenylalanine.
Molecular consequence: missense variant.
Genome position (GRCh38, 1-based): chr7:103,652,631, C>A on the plus strand (G>T on the coding strand, the complement: RELN is on the minus strand). VCF-style: chr7-103652631-C-A. GRCh37 (hg19) VCF-style: chr7-103293078-C-A.
Other names: c.1683G>T, p.Leu561Phe (NM_173054.3); short protein forms L561F.
Identifiers: ClinVar variation 3751474 (VCV003751474.2).

ClinVar aggregate classification (germline): Uncertain significance (1 of 4 stars; one submission).

Conditions:
Familial temporal lobe epilepsy 7. Identifiers: Orphanet 101046, MedGen C4225327, MONDO:0014639, OMIM 616436.
Norman-Roberts syndrome (LIS2). Also called: Lissencephaly 2 (Norman-Roberts type). Identifiers: Orphanet 89844, MedGen C0796089, MONDO:0009760, OMIM 257320.

gnomAD v4.1: 1 of 1,612,858 alleles (0.000062%); no homozygotes.

Submission:

Labcorp Genetics (formerly Invitae), Labcorp
Classification: Uncertain significance for Familial temporal lobe epilepsy 7; Norman-Roberts syndrome. Last evaluated: 2024-12-03. Review status: criteria provided, single submitter. Criteria: Invitae Variant Classification Sherloc (09022015). Collection method: clinical testing. Allele origin: germline.
Comment: This sequence change replaces leucine, which is neutral and non-polar, with phenylalanine, which is neutral and non-polar, at codon 561 of the RELN protein (p.Leu561Phe). This variant is present in population databases (no rsID available, gnomAD 0.0009%). This variant has not been reported in the literature in individuals affected with RELN-related conditions. Invitae Evidence Modeling of protein sequence and biophysical properties (such as structural, functional, and spatial information, amino acid conservation, physicochemical variation, residue mobility, and thermodynamic stability) has been performed for this missense variant. However, the output from this modeling did not meet the statistical confidence thresholds required to predict the impact of this variant on RELN protein function. In summary, the available evidence is currently insufficient to determine the role of this variant in disease. Therefore, it has been classified as a Variant of Uncertain Significance.